The following is an entry in ClinVar:

ClinVar aggregate classification (germline): Benign/Likely benign. Review status: criteria provided, multiple submitters, no conflicts (2 of 4 stars). 2 submissions from 2 submitters: Benign (1); Likely benign (1). Last evaluated 2025-11-27.

Conditions:
Kabuki syndrome. Also called: Kabuki make-up syndrome; NIIKAWA-KUROKI SYNDROME. Identifiers: Orphanet 2322, MedGen C0796004, MONDO:0016512.
KMT2D-related disorder. Also called: KMT2D-Related Disorders.

Allele frequency attached by ClinVar (database versions not stated): TOPMed below 0.00001; ExAC 0.00002; gnomAD exomes 0.00002.

Submissions (2):

Labcorp Genetics (formerly Invitae), Labcorp
Classification: Benign for Kabuki syndrome. Last evaluated: 2025-11-27. Review status: criteria provided, single submitter. Criteria: Invitae Variant Classification Sherloc (09022015). Collection method: clinical testing. Allele origin: germline.

PreventionGenetics, part of Exact Sciences
Classification: Likely benign for KMT2D-related condition. Last evaluated: 2025-07-14. Review status: criteria provided, single submitter. Criteria: ACMG Guidelines, 2015. Collection method: clinical testing. Allele origin: germline.
Comment: This variant is classified as likely benign based on ACMG/AMP sequence variant interpretation guidelines (Richards et al. 2015 PMID: 25741868, with internal and published modifications).

NM_003482.4(KMT2D):c.11006G>A (p.Gly3669Asp)

Gene: KMT2D (lysine methyltransferase 2D; minus strand). Cytogenetic location: 12q13.12.
Variant type: single nucleotide variant.
Coding change: c.11006G>A on transcript NM_003482.4 (MANE Select); coding-DNA position 11006, G replaced by A.
Protein change: p.Gly3669Asp; replaces glycine 3669 with aspartic acid.
Molecular consequence: missense variant.
Genome position (GRCh38, 1-based): chr12:49,033,699, C>T on the plus strand (G>A on the coding strand, the complement: KMT2D is on the minus strand). VCF-style: chr12-49033699-C-T. GRCh37 (hg19) VCF-style: chr12-49427482-C-T.
Other names: c.11006G>A (NM_003482.3); short protein forms G3669D.
Identifiers: ClinVar variation 1369821 (VCV001369821.7), dbSNP rs760279764, ClinGen allele CA6546385.